The following is an entry in ClinVar:

ClinVar aggregate classification (germline): Uncertain significance. Review status: criteria provided, multiple submitters, no conflicts (2 of 4 stars). 2 submissions from 2 submitters: Uncertain significance (2). Last evaluated 2025-12-22.

Conditions:
Combined immunodeficiency due to OX40 deficiency. Also called: OX40 DEFICIENCY; Immunodeficiency 16. Identifiers: Orphanet 431149, MedGen C3810053, MONDO:0014268, OMIM 615593.

Allele frequency attached by ClinVar (database versions not stated): gnomAD 0.00013; TOPMed 0.00014.
gnomAD v4.1: 160 of 1,583,482 alleles (0.01%); highest among the groups gnomAD compares: Admixed American, 0.11%; no homozygotes.

Submissions (2):

Labcorp Genetics (formerly Invitae), Labcorp
Classification: Uncertain significance for Combined immunodeficiency due to OX40 deficiency. Last evaluated: 2025-12-22. Review status: criteria provided, single submitter. Criteria: Invitae Variant Classification Sherloc (09022015). Collection method: clinical testing. Allele origin: germline.
Comment: This sequence change replaces arginine, which is basic and polar, with glutamine, which is neutral and polar, at codon 205 of the TNFRSF4 protein (p.Arg205Gln). This variant is present in population databases (rs749385408, gnomAD 0.1%), and has an allele count higher than expected for a pathogenic variant. This variant has not been reported in the literature in individuals affected with TNFRSF4-related conditions. ClinVar contains an entry for this variant (Variation ID: 662193). An algorithm developed to predict the effect of missense changes on protein structure and function (PolyPhen-2) suggests that this variant is likely to be tolerated. In summary, the available evidence is currently insufficient to determine the role of this variant in disease. Therefore, it has been classified as a Variant of Uncertain Significance.

Ambry Genetics
Classification: Uncertain significance. Last evaluated: 2025-05-15. Review status: criteria provided, single submitter. Criteria: Ambry Variant Classification Scheme 2023. Collection method: clinical testing. Allele origin: germline.

NM_003327.4(TNFRSF4):c.614G>A (p.Arg205Gln)

Gene: TNFRSF4 (TNF receptor superfamily member 4; minus strand). Cytogenetic location: 1p36.33.
Variant type: single nucleotide variant.
Coding change: c.614G>A on transcript NM_003327.4 (MANE Select); coding-DNA position 614, G replaced by A.
Protein change: p.Arg205Gln; replaces arginine 205 with glutamine.
Molecular consequence: missense variant.
Genome position (GRCh38, 1-based): chr1:1,211,962, C>T on the plus strand (G>A on the coding strand, the complement: TNFRSF4 is on the minus strand). VCF-style: chr1-1211962-C-T. GRCh37 (hg19) VCF-style: chr1-1147342-C-T.
Other names: c.614G>A, p.Arg205Gln (LRG_1319t1); short protein forms R205Q.
Identifiers: ClinVar variation 662193 (VCV000662193.6), dbSNP rs749385408, ClinGen allele CA512408.